The following is an entry in ClinVar:

NM_172366.4(FBXO16):c.333T>C (p.Arg111=)

Gene: FBXO16 (F-box protein 16; minus strand). Cytogenetic location: 8p21.1.
Variant type: single nucleotide variant.
Coding change: c.333T>C on transcript NM_172366.4 (MANE Select); coding-DNA position 333, T replaced by C.
Protein change: p.Arg111=; no amino-acid change (arginine 111 retained).
Molecular consequence: synonymous variant.
Genome position (GRCh38, 1-based): chr8:28,463,621, A>G on the plus strand (T>C on the coding strand, the complement: FBXO16 is on the minus strand). VCF-style: chr8-28463621-A-G. GRCh37 (hg19) VCF-style: chr8-28321138-A-G.
Other names: c.297T>C, p.Arg99= (NM_001258211.2).
Identifiers: ClinVar variation 3234524 (VCV003234524.20), dbSNP rs1180157449, ClinGen allele CA460068310.

ClinVar aggregate classification (germline): Likely benign (1 of 4 stars; one submission).

Allele frequency attached by ClinVar (database versions not stated): gnomAD exomes below 0.00001.
gnomAD v4.1: 1 of 1,613,970 alleles (0.000062%); highest among the groups gnomAD compares: Admixed American, 0.0017%; no homozygotes.

Submission:

CeGaT Center for Human Genetics Tuebingen
Classification: Likely benign. Last evaluated: 2026-05-01. Review status: criteria provided, single submitter. Criteria: CeGaT Center For Human Genetics Tuebingen Variant Classification Criteria Version 2. Collection method: clinical testing. Allele origin: germline. Affected: yes. Observed: 2 variant alleles.
Comment: FBXO16: BP4, BP7